The following is an entry in ClinVar:

ClinVar aggregate classification (germline): Likely pathogenic (1 of 4 stars; one submission).

Submission:

Dasa
Classification: Likely pathogenic. Last evaluated: 2025-06-23. Review status: criteria provided, single submitter. Criteria: DASA Assertion Criteria. Collection method: clinical testing. Allele origin: germline.
Comment: NM_000102.4(CYP17A1):c.830del (p.Asn277Metfs*20) is a frameshift variant in CYP17A1 predicted to alter the reading frame and introduce a premature termination codon and is predicted to result in an absent or altered protein product. Loss of function is an established disease mechanism for CYP17A1-associated disorders. Also, this variant is absent from population databases. Based on the currently available evidence, this variant is classified as likely pathogenic.

NM_000102.4(CYP17A1):c.830del (p.Asn277fs)

Genes: CYP17A1 (cytochrome P450 family 17 subfamily A member 1; minus strand), CYP17A1-AS1 (CYP17A1 antisense RNA 1; plus strand). Cytogenetic location: 10q24.32.
Variant type: Deletion.
Coding change: c.830del on transcript NM_000102.4 (MANE Select); coding-DNA position 830, one base deleted (A; older notation c.830delA).
Protein change: p.Asn277fs; shifts the reading frame from asparagine 277.
Molecular consequence: frameshift variant.
Genome position (GRCh38, 1-based): chr10:102,833,132, T deleted on the plus strand (A on the coding strand, the reverse complement: CYP17A1 is on the minus strand); the first of 2 consecutive T bases (chr10:102,833,132-102,833,133); deleting either gives the same sequence. VCF-style (leftmost placement, unchanged base first): chr10-102833131-AT-A. GRCh37 (hg19) VCF-style: chr10-104592888-AT-A.
Other names: short protein forms N277fs.
Identifiers: ClinVar variation 4880568 (VCV004880568.2).
Genomic context (GRCh38, chr10:102,833,131, plus strand): 5'-CCCTATGGTGGTGAGAATGTGGTTATCTGAAAGCAGCTCTGAGTCTTGATCTGGGCCAGC[AT>A]TGCCATTATCTGAGTTCATCTTGGCTTGCATCAGTGTGTCCAGCATGTTGGTGATAGAGT-3'